The following is an entry in ClinVar:

NM_032977.4(CASP10):c.1072_1074delinsTAG (p.His358Ter)

Gene: CASP10 (caspase 10; plus strand). Cytogenetic location: 2q33.1.
Variant type: Indel.
Coding change: c.1072_1074delinsTAG on transcript NM_032977.4 (MANE Select); coding-DNA positions 1072 to 1074, CAT replaced by TAG.
Protein change: p.His358Ter; replaces histidine 358 with a stop codon.
Molecular consequence: nonsense. On other transcripts: 3 prime UTR variant (1).
Genome position (GRCh38, 1-based): chr2:201,209,219-201,209,221, CAT replaced by TAG. VCF-style: chr2-201209219-CAT-TAG. GRCh37 (hg19) VCF-style: chr2-202073942-CAT-TAG.
Other names: c.871_873delinsTAG, p.His291Ter (NM_001206524.2); c.943_945delinsTAG, p.His315Ter (NM_001206542.2, NM_001230.5); c.1072_1074delinsTAG, p.His358Ter (NM_032974.5); c.*158_*160delinsTAG (NM_032976.4); c.1072_1074delCATinsTAG (NM_032977.4); short protein forms H291*, H315*, H358*.
Identifiers: ClinVar variation 3895504 (VCV003895504.1).

ClinVar aggregate classification (germline): Uncertain significance (1 of 4 stars; one submission).

Conditions:
Autoimmune lymphoproliferative syndrome type 2A (ALPS2A). Also called: AUTOIMMUNE LYMPHOPROLIFERATIVE SYNDROME, TYPE IIA; Autoimmune lymphoproliferative syndrome type 2; CASP10-Related Autoimmune Lymphoproliferative Syndrome. Identifiers: Orphanet 3261, MedGen C1858968, MONDO:0011383, OMIM 603909.

Submission:

Neuberg Centre For Genomic Medicine, NCGM
Classification: Uncertain significance for Autoimmune lymphoproliferative syndrome type 2A. Last evaluated: 2024-02-01. Review status: criteria provided, single submitter. Criteria: ACMG Guidelines, 2015. Collection method: clinical testing. Allele origin: germline. Inheritance: Autosomal dominant inheritance. Affected: yes.
Comment: The above variant in CASP10 gene has not been reported previously as a pathogenic variant nor as a benign variant, to our knowledge. Loss of function variants reported to be disease causing however it is not established disease mechanism and downstream to this position in CASP10 are not known. Hence., this variant is classified as variant of uncertained significance.